The following is an entry in ClinVar:

NM_001142864.4(PIEZO1):c.161-4G>A

Gene: PIEZO1 (piezo type mechanosensitive ion channel component 1 (Er blood group); minus strand). Cytogenetic location: 16q24.3.
Variant type: single nucleotide variant.
Coding change: c.161-4G>A on transcript NM_001142864.4 (MANE Select); 4 bases into the intron before coding-DNA position 161, G replaced by A.
Molecular consequence: intron variant.
Genome position (GRCh38, 1-based): chr16:88,742,426, C>T on the plus strand (G>A on the coding strand, the complement: PIEZO1 is on the minus strand). VCF-style: chr16-88742426-C-T. GRCh37 (hg19) VCF-style: chr16-88808834-C-T.
Identifiers: ClinVar variation 3054784 (VCV003054784.2), dbSNP rs777745337, ClinGen allele CA8233333.

ClinVar aggregate classification (germline): Likely benign (0 of 4 stars; one submission).

Conditions:
PIEZO1-related disorder. Also called: PIEZO1-related condition; PIEZO1-Related Disorders.

Allele frequency attached by ClinVar (database versions not stated): gnomAD 0.00001; TOPMed 0.00001; gnomAD exomes 0.00002; ExAC 0.00006.
gnomAD v4.1: 32 of 1,534,102 alleles (0.0021%); highest among the groups gnomAD compares: East Asian, 0.0049%; no homozygotes.

Submission:

PreventionGenetics, part of Exact Sciences
Classification: Likely benign for PIEZO1-related condition. Last evaluated: 2023-01-09. Review status: no assertion criteria provided. Collection method: clinical testing. Allele origin: germline.
Comment: This variant is classified as likely benign based on ACMG/AMP sequence variant interpretation guidelines (Richards et al. 2015 PMID: 25741868, with internal and published modifications).